The following is an entry in ClinVar:

ClinVar aggregate classification (germline): Uncertain significance (1 of 4 stars; one submission).

Allele frequency attached by ClinVar (database versions not stated): ExAC 0.00001.
gnomAD v4.1: 2 of 1,551,580 alleles (0.00013%); highest among the groups gnomAD compares: Non-Finnish European, 0.00017%; no homozygotes.

Submission:

CeGaT Center for Human Genetics Tuebingen
Classification: Uncertain significance. Last evaluated: 2023-09-01. Review status: criteria provided, single submitter. Criteria: CeGaT Center For Human Genetics Tuebingen Variant Classification Criteria Version 2. Collection method: clinical testing. Allele origin: germline. Affected: yes. Observed: 1 variant allele.
Comment: TSPEAR: PM2

NM_144991.3(TSPEAR):c.107C>A (p.Ala36Glu)

Gene: TSPEAR (thrombospondin type laminin G domain and EAR repeats; minus strand). Cytogenetic location: 21q22.3.
Variant type: single nucleotide variant.
Coding change: c.107C>A on transcript NM_144991.3 (MANE Select); coding-DNA position 107, C replaced by A.
Protein change: p.Ala36Glu; replaces alanine 36 with glutamic acid.
Molecular consequence: missense variant. On other transcripts: 5 prime UTR variant (1).
Genome position (GRCh38, 1-based): chr21:44,567,981, G>T on the plus strand (C>A on the coding strand, the complement: TSPEAR is on the minus strand). VCF-style: chr21-44567981-G-T. GRCh37 (hg19) VCF-style: chr21-45987865-G-T.
Other names: c.-98C>A (NM_001272037.2); short protein forms A36E.
Identifiers: ClinVar variation 2652762 (VCV002652762.24), dbSNP rs144943758, ClinGen allele CA10058090.